The following is an entry in ClinVar:

NM_006445.4(PRPF8):c.3939G>A (p.Pro1313=)

Gene: PRPF8 (pre-mRNA processing factor 8; minus strand). Cytogenetic location: 17p13.3.
Variant type: single nucleotide variant.
Coding change: c.3939G>A on transcript NM_006445.4 (MANE Select); coding-DNA position 3939, G replaced by A.
Protein change: p.Pro1313=; no amino-acid change (proline 1313 retained).
Molecular consequence: synonymous variant.
Genome position (GRCh38, 1-based): chr17:1,661,989, C>T on the plus strand (G>A on the coding strand, the complement: PRPF8 is on the minus strand). VCF-style: chr17-1661989-C-T. GRCh37 (hg19) VCF-style: chr17-1565283-C-T.
Identifiers: ClinVar variation 321887 (VCV000321887.14), dbSNP rs35169383, ClinGen allele CA8271766.

ClinVar aggregate classification (germline): Benign. Review status: criteria provided, multiple submitters, no conflicts (2 of 4 stars). 4 submissions from 4 submitters: Benign (4). Last evaluated 2026-02-03.

Conditions:
Retinitis pigmentosa (RP). Identifiers: Orphanet 791, MedGen C0035334, MeSH D012174, MONDO:0019200, OMIM 268000. Inheritance: Autosomal dominant, autosomal recessive and X linked inheritance.
Retinal dystrophy. Also called: Inherited retinal dystrophy. Identifiers: Orphanet 71862, MedGen C0854723, MeSH D058499, MONDO:0019118, HP:0000556.

Allele frequency attached by ClinVar (database versions not stated): 1000 Genomes Project 0.01458; 1000 Genomes Project 30x 0.01515; TOPMed 0.02477; gnomAD 0.02747 and 0.02787; ESP Exome Variant Server 0.02783; ExAC 0.02898.
gnomAD v4.1: 55,333 of 1,613,868 alleles (3.4%); highest among the groups gnomAD compares: Middle Eastern, 4.2%; 1,079 homozygotes.

Submissions (4):

Labcorp Genetics (formerly Invitae), Labcorp
Classification: Benign. Last evaluated: 2026-02-03. Review status: criteria provided, single submitter. Criteria: Invitae Variant Classification Sherloc (09022015). Collection method: clinical testing. Allele origin: germline.

Dept Of Ophthalmology, Nagoya University
Classification: Benign for Retinal dystrophy. Last evaluated: 2023-10-01. Review status: criteria provided, single submitter. Criteria: Submitter's publication. Collection method: research. Allele origin: germline. Affected: yes.

Illumina Laboratory Services, Illumina
Classification: Benign for Retinitis pigmentosa. Last evaluated: 2018-01-12. Review status: criteria provided, single submitter. Criteria: ICSL Variant Classification Criteria 13 December 2019. Collection method: clinical testing. Allele origin: germline.
Comment: This variant was observed in the ICSL laboratory as part of a predisposition screen in an ostensibly healthy population. It had not been previously curated by ICSL or reported in the Human Gene Mutation Database (HGMD: prior to June 1st, 2018), and was therefore a candidate for classification through an automated scoring system. Utilizing variant allele frequency, disease prevalence and penetrance estimates, and inheritance mode, an automated score was calculated to assess if this variant is too frequent to cause the disease. Based on the score and internal cut-off values, a variant classified as benign is not then subjected to further curation. The score for this variant resulted in a classification of benign for this disease.

Breakthrough Genomics
Classification: Benign. Review status: criteria provided, single submitter. Criteria: ACMG Guidelines, 2015. Collection method: not provided. Allele origin: germline. Inheritance: Autosomal dominant inheritance. Affected: yes.